The following is an entry in ClinVar:

ClinVar aggregate classification (germline): Uncertain significance (1 of 4 stars; one submission).

gnomAD v4.1: 1 of 1,614,130 alleles (0.000062%); no homozygotes.

Submission:

Ambry Genetics
Classification: Uncertain significance. Last evaluated: 2024-04-22. Review status: criteria provided, single submitter. Criteria: Ambry Variant Classification Scheme 2023. Collection method: clinical testing. Allele origin: germline.
Comment: The p.V475L variant (also known as c.1423G>T), located in coding exon 13 of the RAD54L gene, results from a G to T substitution at nucleotide position 1423. The valine at codon 475 is replaced by leucine, an amino acid with highly similar properties. This amino acid position is conserved. In addition, this alteration is predicted to be tolerated by in silico analysis. Based on the available evidence, the clinical significance of this variant remains unclear.

NM_003579.4(RAD54L):c.1423G>T (p.Val475Leu)

Gene: RAD54L (RAD54 like; plus strand). Cytogenetic location: 1p34.1.
Variant type: single nucleotide variant.
Coding change: c.1423G>T on transcript NM_003579.4 (MANE Select); coding-DNA position 1423, G replaced by T.
Protein change: p.Val475Leu; replaces valine 475 with leucine.
Molecular consequence: missense variant.
Genome position (GRCh38, 1-based): chr1:46,273,402, G>T. VCF-style: chr1-46273402-G-T. GRCh37 (hg19) VCF-style: chr1-46739074-G-T.
Other names: c.1423G>T, p.Val475Leu (NM_001142548.2); c.883G>T, p.Val295Leu (NM_001370766.1); short protein forms V475L, V295L.
Identifiers: ClinVar variation 3312461 (VCV003312461.1).